The following is an entry in ClinVar:

ClinVar aggregate classification (germline): Uncertain significance (1 of 4 stars; one submission).

Submission:

GeneDx
Classification: Uncertain significance. Last evaluated: 2026-09-24. Review status: criteria provided, single submitter. Criteria: GeneDx Variant Classification Process June 2021. Collection method: clinical testing. Allele origin: germline.
Comment: Nucleotide is not conserved across species and the substitution has no predicted effect on splicing; Has not been previously published as pathogenic or benign to our knowledge; No data available from control populations to assess the frequency of this variant; Located in a regulatory region; in the absence of functional studies, the actual effect of this sequence change is unknown

NC_000011.10:g.2161308G>A

Gene: INS (insulin; minus strand). Cytogenetic location: 11p15.5.
Variant type: single nucleotide variant.
Genome position: GRCh38 VCF-style: chr11-2161308-G-A. GRCh37 (hg19) VCF-style: chr11-2182538-G-A.
Identifiers: ClinVar variation 3371258 (VCV003371258.2).
Genomic context (GRCh38, chr11:2,161,308, plus strand): 5'-GCCCATCTCCCCTACCTCTCAACCCCTGCCGCCTGGCCCATTAGGGCCTGGGGTGGGGGG[G>A]TCGGCAGATGGCTGGGGGCTGAGGCTGCAATTTCCGGACCATTTCCCTGGTGCTGGGTCT-3'